The following is an entry in ClinVar:

ClinVar aggregate classification (germline): Uncertain significance (1 of 4 stars; one submission).

Allele frequency attached by ClinVar (database versions not stated): ExAC 0.00001; gnomAD 0.00001; gnomAD exomes 0.00001 and 0.00002; TOPMed 0.00002; ESP Exome Variant Server 0.00008.
gnomAD v4.1: 12 of 1,613,072 alleles (0.00074%); highest among the groups gnomAD compares: East Asian, 0.0045%; no homozygotes.

Submission:

Labcorp Genetics (formerly Invitae), Labcorp
Classification: Uncertain significance. Last evaluated: 2021-10-17. Review status: criteria provided, single submitter. Criteria: Invitae Variant Classification Sherloc (09022015). Collection method: clinical testing. Allele origin: germline.
Comment: This sequence change replaces arginine with histidine at codon 370 of the CREB3L3 protein (p.Arg370His). The arginine residue is moderately conserved and there is a small physicochemical difference between arginine and histidine. This variant is present in population databases (rs140472419, ExAC 0.006%). This variant has not been reported in the literature in individuals affected with CREB3L3-related conditions. Algorithms developed to predict the effect of missense changes on protein structure and function are either unavailable or do not agree on the potential impact of this missense change (SIFT: "Deleterious"; PolyPhen-2: "Probably Damaging"; Align-GVGD: "Class C0"). In summary, the available evidence is currently insufficient to determine the role of this variant in disease. Therefore, it has been classified as a Variant of Uncertain Significance.

NM_032607.3(CREB3L3):c.1109G>A (p.Arg370His)

Gene: CREB3L3 (cAMP responsive element binding protein 3 like 3; plus strand). Cytogenetic location: 19p13.3.
Variant type: single nucleotide variant.
Coding change: c.1109G>A on transcript NM_032607.3 (MANE Select); coding-DNA position 1109, G replaced by A.
Protein change: p.Arg370His; replaces arginine 370 with histidine.
Molecular consequence: missense variant. On other transcripts: synonymous variant (1).
Genome position (GRCh38, 1-based): chr19:4,171,692, G>A. VCF-style: chr19-4171692-G-A. GRCh37 (hg19) VCF-style: chr19-4171689-G-A.
Other names: c.1106G>A, p.Arg369His (NM_001271995.2); c.1103G>A, p.Arg368His (NM_001271996.2); c.1002G>A, p.Pro334= (NM_001271997.2); short protein forms R369H, R370H, R368H.
Identifiers: ClinVar variation 1433107 (VCV001433107.6), dbSNP rs140472419, ClinGen allele CA9091622.